The following is an entry in ClinVar:

ClinVar aggregate classification (germline): Uncertain significance. Review status: criteria provided, multiple submitters, no conflicts (2 of 4 stars). 2 submissions from 2 submitters: Uncertain significance (2). Last evaluated 2024-01-09.

Conditions:
Developmental delay with variable intellectual impairment and behavioral abnormalities. Identifiers: MedGen C5193092, MONDO:0032745, OMIM 618430.
Inborn genetic diseases. Identifiers: MedGen C0950123, MeSH D030342.

Allele frequency attached by ClinVar (database versions not stated): gnomAD exomes below 0.00001.
gnomAD v4.1: 2 of 1,614,158 alleles (0.00012%); highest among the groups gnomAD compares: Non-Finnish European, 0.00017%; no homozygotes.

Submissions (2):

Ambry Genetics
Classification: Uncertain significance for Inborn genetic diseases. Last evaluated: 2024-01-09. Review status: criteria provided, single submitter. Criteria: Ambry Variant Classification Scheme 2023. Collection method: clinical testing. Allele origin: germline.

Baylor Genetics
Classification: Uncertain significance for Developmental delay with variable intellectual impairment and behavioral abnormalities. Last evaluated: 2020-06-08. Review status: criteria provided, single submitter. Criteria: ACMG Guidelines, 2015. Collection method: clinical testing. Allele origin: unknown. Affected: yes.
Comment: This variant was determined to be of uncertain significance according to ACMG Guidelines, 2015 [PMID:25741868].

NM_001378418.1(TCF20):c.4330A>G (p.Lys1444Glu)

Gene: TCF20 (transcription factor 20; minus strand). Cytogenetic location: 22q13.2.
Variant type: single nucleotide variant.
Coding change: c.4330A>G on transcript NM_001378418.1 (MANE Select); coding-DNA position 4330, A replaced by G.
Protein change: p.Lys1444Glu; replaces lysine 1444 with glutamic acid.
Molecular consequence: missense variant.
Genome position (GRCh38, 1-based): chr22:42,210,976, T>C on the plus strand (A>G on the coding strand, the complement: TCF20 is on the minus strand). VCF-style: chr22-42210976-T-C. GRCh37 (hg19) VCF-style: chr22-42606982-T-C.
Other names: c.4330A>G, p.Lys1444Glu (NM_005650.4, NM_181492.3); c.4330A>G (NM_005650.1); short protein forms K1444E.
Identifiers: ClinVar variation 1030006 (VCV001030006.2), dbSNP rs1920945135, ClinGen allele CA411784560.